The following is an entry in ClinVar:

ClinVar aggregate classification (germline): Uncertain significance. Review status: criteria provided, multiple submitters, no conflicts (2 of 4 stars). 2 submissions from 2 submitters: Uncertain significance (2). Last evaluated 2023-10-17.

Submissions (2):

Labcorp Genetics (formerly Invitae), Labcorp
Classification: Uncertain significance. Last evaluated: 2023-10-17. Review status: criteria provided, single submitter. Criteria: Invitae Variant Classification Sherloc (09022015). Collection method: clinical testing. Allele origin: germline.
Comment: This sequence change replaces isoleucine, which is neutral and non-polar, with leucine, which is neutral and non-polar, at codon 368 of the CTNNA1 protein (p.Ile368Leu). This variant is not present in population databases (gnomAD no frequency). This variant has not been reported in the literature in individuals affected with CTNNA1-related conditions. ClinVar contains an entry for this variant (Variation ID: 1806698). Advanced modeling of protein sequence and biophysical properties (such as structural, functional, and spatial information, amino acid conservation, physicochemical variation, residue mobility, and thermodynamic stability) performed at Invitae indicates that this missense variant is not expected to disrupt CTNNA1 protein function. In summary, the available evidence is currently insufficient to determine the role of this variant in disease. Therefore, it has been classified as a Variant of Uncertain Significance.

GeneDx
Classification: Uncertain significance. Last evaluated: 2022-06-20. Review status: criteria provided, single submitter. Criteria: GeneDx Variant Classification Process June 2021. Collection method: clinical testing. Allele origin: germline. Affected: yes.
Comment: Not observed at significant frequency in large population cohorts (gnomAD); In silico analysis supports that this missense variant does not alter protein structure/function; Has not been previously published as pathogenic or benign to our knowledge

NM_001903.5(CTNNA1):c.1102A>C (p.Ile368Leu)

Gene: CTNNA1 (catenin alpha 1; plus strand). Cytogenetic location: 5q31.2.
Variant type: single nucleotide variant.
Coding change: c.1102A>C on transcript NM_001903.5 (MANE Select); coding-DNA position 1102, A replaced by C.
Protein change: p.Ile368Leu; replaces isoleucine 368 with leucine.
Molecular consequence: missense variant. On other transcripts: 5 prime UTR variant (26), intron variant (2).
Genome position (GRCh38, 1-based): chr5:138,886,251, A>C. VCF-style: chr5-138886251-A-C. GRCh37 (hg19) VCF-style: chr5-138221940-A-C.
Other names: c.1102A>C, p.Ile368Leu (NM_001290307.3, NM_001323982.2, NM_001323983.1 and 3 more transcripts); c.793A>C, p.Ile265Leu (NM_001290309.3); c.733A>C, p.Ile245Leu (NM_001290310.3); c.-9A>C (NM_001290312.1, NM_001323987.1, NM_001323988.1 and 18 more transcripts); c.-406A>C (NM_001324006.1, NM_001324007.1, NM_001324008.1 and 1 more transcripts); c.-281A>C (NM_001324013.1); c.-58+10654A>C (NM_001324012.1); c.-61+10654A>C (NM_001324010.1); short protein forms I245L, I265L, I368L.
Identifiers: ClinVar variation 1806698 (VCV001806698.4), dbSNP rs1354521948, ClinGen allele CA361132552.